The following is an entry in ClinVar:

NM_022124.6(CDH23):c.6664C>T (p.Arg2222Cys)

Gene: CDH23 (cadherin related 23; plus strand). Cytogenetic location: 10q22.1.
Variant type: single nucleotide variant.
Coding change: c.6664C>T on transcript NM_022124.6 (MANE Select); coding-DNA position 6664, C replaced by T.
Protein change: p.Arg2222Cys; replaces arginine 2222 with cysteine.
Molecular consequence: missense variant.
Genome position (GRCh38, 1-based): chr10:71,793,592, C>T. VCF-style: chr10-71793592-C-T. GRCh37 (hg19) VCF-style: chr10-73553349-C-T.
Other names: short protein forms R2222C.
Identifiers: ClinVar variation 505005 (VCV000505005.12), dbSNP rs761082272, ClinGen allele CA5546144.

ClinVar aggregate classification (germline): Conflicting classifications of pathogenicity. Review status: criteria provided, conflicting classifications (1 of 4 stars). 5 submissions from 5 submitters: Uncertain significance (3); Likely benign (1). 1 of the submissions does not count toward it. Last evaluated 2026-01-13.

Conditions:
Usher syndrome type 1 (USH1). Also called: RETINITIS PIGMENTOSA AND CONGENITAL DEAFNESS. Identifiers: Orphanet 231169, Orphanet 886, MedGen C1568247, MONDO:0010168, OMIM 276900.
Inborn genetic diseases. Identifiers: MedGen C0950123, MeSH D030342.

Allele frequency attached by ClinVar (database versions not stated): gnomAD 0.00001 and 0.00002; TOPMed 0.00003; ExAC 0.00004; gnomAD exomes 0.00004.
gnomAD v4.1: 34 of 1,607,988 alleles (0.0021%); highest among the groups gnomAD compares: Admixed American, 0.0017%; no homozygotes.

Submissions (5):

Labcorp Genetics (formerly Invitae), Labcorp
Classification: Likely benign. Last evaluated: 2026-01-13. Review status: criteria provided, single submitter. Criteria: Invitae Variant Classification Sherloc (09022015). Collection method: clinical testing. Allele origin: germline.

Ambry Genetics
Classification: Uncertain significance for Inborn genetic diseases. Last evaluated: 2025-08-22. Review status: criteria provided, single submitter. Criteria: Ambry Variant Classification Scheme 2023. Collection method: clinical testing. Allele origin: germline.

Blueprint Genetics
Classification: Uncertain significance. Last evaluated: 2023-11-13. Review status: criteria provided, single submitter. Criteria: ACMG Guidelines, 2015. Collection method: clinical testing. Allele origin: germline.

Laboratory for Molecular Medicine, Mass General Brigham Personalized Medicine
Classification: Uncertain significance. Last evaluated: 2016-05-02. Review status: criteria provided, single submitter. Criteria: LMM Criteria. Collection method: clinical testing. Allele origin: germline. Observed: 1 variant allele.
Comment: The p.Arg2222Cys variant in CDH23 has not been previously reported in individual s with hearing loss or Usher syndrome, but has been identified in 5/63898 Europe an chromosomes by the Exome Aggregation Consortium (ExAC; dbSNP rs761082272). Although this variant has been seen in the genera l population, its frequency is not high enough to rule out a pathogenic role. Th e arginine (Arg) at position 2222 is not highly conserved in mammals and evoluti onary distant species, and one mammal (Chinese hamster) carries a cysteine (Cys) at this position, raising the possibility that this change at this position may be tolerated. Additional computational prediction tools do not provide strong s upport for or against an impact to the protein. In summary, the clinical signif icance of this variant is uncertain.

Natera, Inc.
Classification: Uncertain significance for Usher syndrome type 1. Last evaluated: 2020-04-17. Review status: no assertion criteria provided. Collection method: clinical testing. Allele origin: germline. Not counted in ClinVar's aggregate classification.